The following is an entry in ClinVar:

ClinVar aggregate classification (germline): Uncertain significance (1 of 4 stars; one submission).

Conditions:
Charcot-Marie-Tooth disease type 4. Also called: Charcot-Marie-Tooth disease, type IV; Charcot-Marie-Tooth, Type 4. Identifiers: Orphanet 64749, MedGen C4082197, MONDO:0018995.

Allele frequency attached by ClinVar (database versions not stated): gnomAD exomes below 0.00001; gnomAD 0.00001.
gnomAD v4.1: 2 of 1,614,052 alleles (0.00012%); highest among the groups gnomAD compares: Non-Finnish European, 0.00017%; no homozygotes.

Submission:

Labcorp Genetics (formerly Invitae), Labcorp
Classification: Uncertain significance for Charcot-Marie-Tooth disease type 4. Last evaluated: 2017-06-01. Review status: criteria provided, single submitter. Criteria: Invitae Variant Classification Sherloc (09022015). Collection method: clinical testing. Allele origin: germline.
Comment: This sequence change replaces cysteine with arginine at codon 824 of the SH3TC2 protein (p.Cys824Arg). The cysteine residue is moderately conserved and there is a large physicochemical difference between cysteine and arginine. This variant is not present in population databases (ExAC no frequency). This variant has not been reported in the literature in individuals with a SH3TC2-related disease. Algorithms developed to predict the effect of missense changes on protein structure and function output the following: SIFT: "Tolerated"; PolyPhen-2: "Benign"; Align-GVGD: "Class C0". The arginine amino acid residue is found in multiple mammalian species, suggesting that this missense change does not adversely affect protein function. These predictions have not been confirmed by published functional studies and their clinical significance is uncertain. In summary, this variant has uncertain impact on SH3TC2 function. The available evidence is currently insufficient to determine its role in disease. Therefore, it has been classified as a Variant of Uncertain Significance.

NM_024577.4(SH3TC2):c.2470T>C (p.Cys824Arg)

Gene: SH3TC2 (SH3 domain and tetratricopeptide repeats 2; minus strand). Cytogenetic location: 5q32.
Variant type: single nucleotide variant.
Coding change: c.2470T>C on transcript NM_024577.4 (MANE Select); coding-DNA position 2470, T replaced by C.
Protein change: p.Cys824Arg; replaces cysteine 824 with arginine.
Molecular consequence: missense variant.
Genome position (GRCh38, 1-based): chr5:149,027,262, A>G on the plus strand (T>C on the coding strand, the complement: SH3TC2 is on the minus strand). VCF-style: chr5-149027262-A-G. GRCh37 (hg19) VCF-style: chr5-148406825-A-G.
Other names: short protein forms C824R.
Identifiers: ClinVar variation 476897 (VCV000476897.8), dbSNP rs1554121601, ClinGen allele CA361666299.
Genomic context (GRCh38, chr5:149,027,262, plus strand): 5'-GTCCCAGGAGGTTATAGATGACTCCCCTTTGAGTGAGACTCTCTGTCTCCTTCAGGGAGC[A>G]TAGCAGTGGCTCAAGCACATCCAAAGCCTTCTTGGCCTGGCTGGCTAAGAGATAGGCCCA-3'
Protein context (NP_078853.2, residues 814-834): KALDVLEPLL[Cys824Arg]SLKETESLTQ